The following is an entry in ClinVar:

NM_181712.5(KANK4):c.721G>A (p.Val241Ile)

Gene: KANK4 (KN motif and ankyrin repeat domains 4; minus strand). Cytogenetic location: 1p31.3.
Variant type: single nucleotide variant.
Coding change: c.721G>A on transcript NM_181712.5 (MANE Select); coding-DNA position 721, G replaced by A.
Protein change: p.Val241Ile; replaces valine 241 with isoleucine.
Molecular consequence: missense variant. On other transcripts: intron variant (1).
Genome position (GRCh38, 1-based): chr1:62,274,383, C>T on the plus strand (G>A on the coding strand, the complement: KANK4 is on the minus strand). VCF-style: chr1-62274383-C-T. GRCh37 (hg19) VCF-style: chr1-62740055-C-T.
Other names: c.17-2794G>A (NM_001320269.2); short protein forms V241I.
Identifiers: ClinVar variation 2397607 (VCV002397607.5), dbSNP rs142615463, ClinGen allele CA884508.
Genomic context (GRCh38, chr1:62,274,383, plus strand): 5'-GAACTACAAGCACATTCTGGAATGAGAAAGGAGGGCCTGGGAGAGGGAGGTGATTTGGAA[C>T]CTTCACCACACCCTCTGGAGGCTCAGCTCCCTCCTGGACCAGCTCTGGAATCCGAGTTGA-3'
Protein context (NP_859063.3, residues 231-251): GAEPPEGVVK[Val241Ile]PNHLPLPGPP

ClinVar aggregate classification (germline): Uncertain significance. Review status: criteria provided, multiple submitters, no conflicts (2 of 4 stars). 2 submissions from 2 submitters: Uncertain significance (2). Last evaluated 2025-12-02.

Allele frequency attached by ClinVar (database versions not stated): gnomAD 0.00016; ESP Exome Variant Server 0.00031; ExAC 0.00013.

Submissions (2):

Labcorp Genetics (formerly Invitae), Labcorp
Classification: Uncertain significance. Last evaluated: 2025-12-02. Review status: criteria provided, single submitter. Criteria: Invitae Variant Classification Sherloc (09022015). Collection method: clinical testing. Allele origin: germline.
Comment: This sequence change replaces valine, which is neutral and non-polar, with isoleucine, which is neutral and non-polar, at codon 241 of the KANK4 protein (p.Val241Ile). This variant is present in population databases (rs142615463, gnomAD 0.07%), and has an allele count higher than expected for a pathogenic variant. This variant has not been reported in the literature in individuals affected with KANK4-related conditions. ClinVar contains an entry for this variant (Variation ID: 2397607). An algorithm developed to predict the effect of missense changes on protein structure and function (PolyPhen-2) suggests that this variant is likely to be tolerated. In summary, the available evidence is currently insufficient to determine the role of this variant in disease. Therefore, it has been classified as a Variant of Uncertain Significance.

Ambry Genetics
Classification: Uncertain significance. Last evaluated: 2025-02-13. Review status: criteria provided, single submitter. Criteria: Ambry Variant Classification Scheme 2023. Collection method: clinical testing. Allele origin: germline.